The following is an entry in ClinVar:

ClinVar aggregate classification (germline): Uncertain significance (1 of 4 stars; one submission).

Conditions:
Chédiak-Higashi syndrome (CHS). Also called: Chediak-Higashi Syndrome. Identifiers: Orphanet 167, MedGen C0007965, MONDO:0008963, OMIM 214500.

gnomAD v4.1: 2 of 1,614,030 alleles (0.00012%); highest among the groups gnomAD compares: Non-Finnish European, 0.00017%; no homozygotes.

Submission:

Labcorp Genetics (formerly Invitae), Labcorp
Classification: Uncertain significance for Chédiak-Higashi syndrome. Last evaluated: 2025-08-24. Review status: criteria provided, single submitter. Criteria: Invitae Variant Classification Sherloc (09022015). Collection method: clinical testing. Allele origin: germline.
Comment: This sequence change replaces glutamine, which is neutral and polar, with arginine, which is basic and polar, at codon 3162 of the LYST protein (p.Gln3162Arg). This variant is not present in population databases (gnomAD no frequency). This variant has not been reported in the literature in individuals affected with LYST-related conditions. Invitae Evidence Modeling of protein sequence and biophysical properties (such as structural, functional, and spatial information, amino acid conservation, physicochemical variation, residue mobility, and thermodynamic stability) indicates that this missense variant is expected to disrupt LYST protein function with a positive predictive value of 80%. In summary, the available evidence is currently insufficient to determine the role of this variant in disease. Therefore, it has been classified as a Variant of Uncertain Significance.

NM_000081.4(LYST):c.9485A>G (p.Gln3162Arg)

Gene: LYST (lysosomal trafficking regulator; minus strand). Cytogenetic location: 1q42.3.
Variant type: single nucleotide variant.
Coding change: c.9485A>G on transcript NM_000081.4 (MANE Select); coding-DNA position 9485, A replaced by G.
Protein change: p.Gln3162Arg; replaces glutamine 3162 with arginine.
Molecular consequence: missense variant.
Genome position (GRCh38, 1-based): chr1:235,720,736, T>C on the plus strand (A>G on the coding strand, the complement: LYST is on the minus strand). VCF-style: chr1-235720736-T-C. GRCh37 (hg19) VCF-style: chr1-235884036-T-C.
Other names: c.9485A>G, p.Gln3162Arg (NM_001301365.1); short protein forms Q3162R.
Identifiers: ClinVar variation 4694110 (VCV004694110.1).